The following is an entry in ClinVar:

ClinVar aggregate classification (germline): Conflicting classifications of pathogenicity. Review status: criteria provided, conflicting classifications (1 of 4 stars). 2 submissions from 2 submitters: Uncertain significance (1); Likely benign (1). Last evaluated 2025-06-12.

Conditions:
Genitopatellar syndrome (GTPTS). Also called: Genitopatellar syndrome (GPS); ABSENT PATELLAE, SCROTAL HYPOPLASIA, RENAL ANOMALIES, FACIAL DYSMORPHISM, AND MENTAL RETARDATION. Identifiers: Orphanet 85201, MedGen C1853566, MONDO:0011640, OMIM 606170.

Allele frequency attached by ClinVar (database versions not stated): gnomAD exomes below 0.00001; gnomAD 0.00001.
gnomAD v4.1: 2 of 1,585,168 alleles (0.00013%); highest among the groups gnomAD compares: East Asian, 0.0022%; no homozygotes.

Submissions (2):

Labcorp Genetics (formerly Invitae), Labcorp
Classification: Likely benign for Genitopatellar syndrome. Last evaluated: 2025-06-12. Review status: criteria provided, single submitter. Criteria: Invitae Variant Classification Sherloc (09022015). Collection method: clinical testing. Allele origin: germline.

Women's Health and Genetics/Laboratory Corporation of America, LabCorp
Classification: Uncertain significance. Last evaluated: 2022-11-01. Review status: criteria provided, single submitter. Criteria: LabCorp Variant Classification Summary - May 2015. Collection method: clinical testing. Allele origin: germline.
Comment: Variant summary: KAT6B c.622-4A>G alters a non-conserved nucleotide located close to a canonical splice site and therefore could affect mRNA splicing, leading to a significantly altered protein sequence. 4/4 computational tools predict no significant impact on normal splicing. However, these predictions have yet to be confirmed by functional studies. The variant allele was found at a frequency of 4e-06 in 251348 control chromosomes. The available data on variant occurrences in the general population are insufficient to allow any conclusion about variant significance. To our knowledge, no occurrence of c.622-4A>G in individuals affected with KAT6B-Related Spectrum Disorders and no experimental evidence demonstrating its impact on protein function have been reported. No clinical diagnostic laboratories have submitted clinical-significance assessments for this variant to ClinVar after 2014. Based on the evidence outlined above, the variant was classified as uncertain significance.

NM_012330.4(KAT6B):c.622-4A>G

Gene: KAT6B (lysine acetyltransferase 6B; plus strand). Cytogenetic location: 10q22.2.
Variant type: single nucleotide variant.
Coding change: c.622-4A>G on transcript NM_012330.4 (MANE Select); 4 bases into the intron before coding-DNA position 622, A replaced by G.
Molecular consequence: intron variant.
Genome position (GRCh38, 1-based): chr10:74,959,966, A>G. VCF-style: chr10-74959966-A-G. GRCh37 (hg19) VCF-style: chr10-76719724-A-G.
Other names: c.622-4A>G (NM_001370139.1, NM_001370136.1, NM_001370138.1 and 10 more transcripts); c.84-4A>G (NM_001370134.1, NM_001370135.1).
Identifiers: ClinVar variation 1804794 (VCV001804794.2), dbSNP rs1351645436, ClinGen allele CA594397308.
Genomic context (GRCh38, chr10:74,959,966, plus strand): 5'-ATTTTAATGTTTTTACTTTTGAAATGGAAAAGTGACAGTATTTTTTATTTTAATTTTGTC[A>G]TAGCCCCGTGCTGATCCCATTCCAATATGTAGCTTCTGTTTGGGGACTAAAGAATCAAAT-3'